The following is an entry in ClinVar:

ClinVar aggregate classification (germline): Uncertain significance (1 of 4 stars; one submission).

Conditions:
Primary pulmonary hypertension. Also called: Idiopathic pulmonary hypertension. Identifiers: MedGen C0152171.

Submission:

Labcorp Genetics (formerly Invitae), Labcorp
Classification: Uncertain significance for Primary pulmonary hypertension. Last evaluated: 2025-11-18. Review status: criteria provided, single submitter. Criteria: Invitae Variant Classification Sherloc (09022015). Collection method: clinical testing. Allele origin: germline.
Comment: This sequence change replaces valine, which is neutral and non-polar, with aspartic acid, which is acidic and polar, at codon 308 of the BMPR2 protein (p.Val308Asp). This variant is not present in population databases (gnomAD no frequency). This variant has not been reported in the literature in individuals affected with BMPR2-related conditions. Invitae Evidence Modeling of protein sequence and biophysical properties (such as structural, functional, and spatial information, amino acid conservation, physicochemical variation, residue mobility, and thermodynamic stability) has been performed for this missense variant. However, the output from this modeling did not meet the statistical confidence thresholds required to predict the impact of this variant on BMPR2 protein function. In summary, the available evidence is currently insufficient to determine the role of this variant in disease. Therefore, it has been classified as a Variant of Uncertain Significance.

NM_001204.7(BMPR2):c.923T>A (p.Val308Asp)

Gene: BMPR2 (bone morphogenetic protein receptor type 2; plus strand). Cytogenetic location: 2q33.2.
Variant type: single nucleotide variant.
Coding change: c.923T>A on transcript NM_001204.7 (MANE Select); coding-DNA position 923, T replaced by A.
Protein change: p.Val308Asp; replaces valine 308 with aspartic acid.
Molecular consequence: missense variant.
Genome position (GRCh38, 1-based): chr2:202,520,157, T>A. VCF-style: chr2-202520157-T-A. GRCh37 (hg19) VCF-style: chr2-203384880-T-A.
Other names: short protein forms V308D.
Identifiers: ClinVar variation 4746083 (VCV004746083.1).